The following is an entry in ClinVar:

ClinVar aggregate classification (germline): Uncertain significance (1 of 4 stars; one submission).

Conditions:
Symmetrical dyschromatosis of extremities (DSH). Also called: RETICULATE ACROPIGMENTATION OF DOHI; SYMMETRIC DYSCHROMATOSIS OF THE EXTREMITIES; DYSCHROMATOSIS SYMMETRICA HEREDITARIA 1; Dyschromatosis symmetrica hereditaria. Identifiers: Orphanet 41, MedGen C0406775, MONDO:0007483, OMIM 127400.
Aicardi-Goutieres syndrome 6 (AGS6). Identifiers: Orphanet 51, MedGen C3539013, MONDO:0014007, OMIM 615010.

gnomAD v4.1: 3 of 1,614,162 alleles (0.00019%); highest among the groups gnomAD compares: Non-Finnish European, 0.00025%; no homozygotes.

Submission:

Labcorp Genetics (formerly Invitae), Labcorp
Classification: Uncertain significance for Aicardi-Goutieres syndrome 6; Symmetrical dyschromatosis of extremities. Last evaluated: 2025-07-28. Review status: criteria provided, single submitter. Criteria: Invitae Variant Classification Sherloc (09022015). Collection method: clinical testing. Allele origin: germline.
Comment: This sequence change replaces arginine, which is basic and polar, with glycine, which is neutral and non-polar, at codon 633 of the ADAR protein (p.Arg633Gly). This variant is not present in population databases (gnomAD no frequency). This variant has not been reported in the literature in individuals affected with ADAR-related conditions. ClinVar contains an entry for this variant (Variation ID: 1396303). Invitae Evidence Modeling of protein sequence and biophysical properties (such as structural, functional, and spatial information, amino acid conservation, physicochemical variation, residue mobility, and thermodynamic stability) indicates that this missense variant is not expected to disrupt ADAR protein function with a negative predictive value of 80%. In summary, the available evidence is currently insufficient to determine the role of this variant in disease. Therefore, it has been classified as a Variant of Uncertain Significance.

NM_001111.5(ADAR):c.1897C>G (p.Arg633Gly)

Gene: ADAR (adenosine deaminase RNA specific; minus strand). Cytogenetic location: 1q21.3.
Variant type: single nucleotide variant.
Coding change: c.1897C>G on transcript NM_001111.5 (MANE Select); coding-DNA position 1897, C replaced by G.
Protein change: p.Arg633Gly; replaces arginine 633 with glycine.
Molecular consequence: missense variant.
Genome position (GRCh38, 1-based): chr1:154,597,865, G>C on the plus strand (C>G on the coding strand, the complement: ADAR is on the minus strand). VCF-style: chr1-154597865-G-C. GRCh37 (hg19) VCF-style: chr1-154570341-G-C.
Other names: c.1012C>G, p.Arg338Gly (NM_001025107.3, NM_001193495.2, NM_001365046.1 and 3 more transcripts); c.1924C>G, p.Arg642Gly (NM_001365045.1); c.1897C>G, p.Arg633Gly (NM_015840.4, NM_015841.4); short protein forms R633G, R642G, R338G.
Identifiers: ClinVar variation 1396303 (VCV001396303.8), dbSNP rs1222149445, ClinGen allele CA342638595.
Genomic context (GRCh38, chr1:154,597,865, plus strand): 5'-GACAGAGGACACGTAGGACATACTTGGGTTCATGGGCAGGGCCTTCTTTGGACAGGAGAC[G>C]GAATTCGCAGGAGTTCCCCAATTTGTGCATACACTCAAGCAGTGTGGTGACGGGGCTCTT-3'
Protein context (NP_001102.3, residues 623-643): MHKLGNSCEF[Arg633Gly]LLSKEGPAHE